The following is an entry in ClinVar:

NM_000104.4(CYP1B1):c.1063C>T (p.Arg355Ter)

Gene: CYP1B1 (cytochrome P450 family 1 subfamily B member 1; minus strand). Cytogenetic location: 2p22.2.
Variant type: single nucleotide variant.
Coding change: c.1063C>T on transcript NM_000104.4 (MANE Select); coding-DNA position 1063, C replaced by T.
Protein change: p.Arg355Ter; replaces arginine 355 with a stop codon.
Molecular consequence: nonsense.
Genome position (GRCh38, 1-based): chr2:38,071,291, G>A on the plus strand (C>T on the coding strand, the complement: CYP1B1 is on the minus strand). VCF-style: chr2-38071291-G-A. GRCh37 (hg19) VCF-style: chr2-38298434-G-A.
Other names: NM_000104.4(CYP1B1):c.1063C>T; p.Arg355Ter; c.1063C>T (NM_000104.3); short protein forms R355*.
Identifiers: ClinVar variation 1412564 (VCV001412564.12), dbSNP rs72549381, ClinGen allele CA1619871.
Genomic context (GRCh38, chr2:38,071,291, plus strand): 5'-GGTCACCCATACAAGGCAGACGGTCCCTCCCCACGACCTGATCCAATTCTGCCTGCACTC[G>A]AGTCTGCACATCAGGATACCTGTTTGGTGTTTAATGTGGAGAGAGAAAAGCAAGTGAGCA-3'

ClinVar aggregate classification (germline): Pathogenic. Review status: reviewed by expert panel (3 of 4 stars). 6 submissions from 6 submitters: Pathogenic (1). 5 of the submissions do not count toward it. Last evaluated 2025-11-19.

Conditions:
Anterior segment dysgenesis 6 (ASGD6). Also called: Anterior segment dysgenesis 6, multiple subtypes. Identifiers: MedGen C4310623, MONDO:0015016, OMIM 617315.
Congenital glaucoma. Identifiers: MedGen C0020302, MONDO:0020366.
CYP1B1-related disorder. Also called: CYP1B1-Related Disorders. Identifiers: MedGen CN239260.
Primary congenital glaucoma. Also called: Primary congenital glaucoma (disease). Identifiers: MedGen C1533041, MONDO:0000365, HP:0008007.
CYP1B1-related glaucoma with or without anterior segment dysgenesis. Identifiers: MedGen CN375931, MONDO:0800472.

Allele frequency attached by ClinVar (database versions not stated): gnomAD exomes 0.00001; ExAC 0.00002; TOPMed 0.00002; gnomAD 0.00003.

Submissions (6):

ClinGen Glaucoma Variant Curation Expert Panel
Classification: Pathogenic for CYP1B1-related glaucoma with or without anterior segment dysgenesis. Last evaluated: 2025-11-19. Review status: reviewed by expert panel. Criteria: ClinGen CYP1B1 ACMG Specifications V1 Approved. Collection method: curation. Allele origin: germline. Inheritance: Autosomal recessive inheritance.
Comment: The c.1063C>T variant in CYP1B1 is predicted to cause a change in the length of the protein due to the insertion of a terminating codon instead of the usual Arginine at amino acid 355 (p.Arg355Ter). The highest minor allele frequency of this variant was in the African/African American genetic ancestry group of gnomAD (v4.1.0) = 0.00008008 (6 alleles out of 74,922), which met the ≤ 0.0005 threshold set for PM2_Supporting in a genetic ancestry group of at least 2,000 alleles. This nonsense variant was not predicted to undergo NMD but removes the haem-binding domain (PVS1 met). There was no functional evidence predicting a damaging or benign impact of this variant on CYP1B1 function. This variant has been identified in 6 individuals with a CYP1B1-related phenotype. 4 of these individuals are compound heterozygous for the variant and a pathogenic or likely pathogenic variant (2 confirmed in trans = 2 points and 2 phase unknown = 1 point). 2 probands are homozygous for the variant (non-consanguineous = 1 point) (PMIDs: 20057908, 23218701,35085548, 21815720). Total proband points = 4, meeting PM3_Very strong. There were more cases published than presented here. Although a possible de novo occurrence has been reported (PMID: 20827438), the specifications for this criterion were not met and PS2 was not applied. In summary, this variant met the criteria to receive a score of 17 and to be classified as pathogenic (pathogenic classification ≥ 10, adapted from PMID: 32720330) for CYP1B1-related glaucoma with or without anterior segment dysgenesis (ASD) based on the ACMG/AMP criteria met, as specified by the ClinGen Glaucoma VCEP (v1.0, 06.11.2025): PVS1, PM3_Very-strong, PM2_Supporting

PreventionGenetics, part of Exact Sciences
Classification: Pathogenic for CYP1B1-related condition. Last evaluated: 2025-07-29. Review status: criteria provided, single submitter. Criteria: ACMG Guidelines, 2015. Collection method: clinical testing. Allele origin: germline. Not counted in ClinVar's aggregate classification.
Comment: The CYP1B1 c.1063C>T variant is predicted to result in premature protein termination (p.Arg355*). This variant was reported in the homozygous and compound heterozygous state in multiple individuals with primary congenital glaucoma (see for example: Kaushik et al. 2022. PubMed ID: 35085548; Micheal et al. 2014. PubMed ID: 25091052). This variant is reported in 0.0066% of alleles in individuals of South Asian descent in gnomAD. Nonsense variants in CYP1B1 are expected to be pathogenic. This variant is interpreted as pathogenic.

GeneDx
Classification: Pathogenic. Last evaluated: 2024-01-03. Review status: criteria provided, single submitter. Criteria: GeneDx Variant Classification Process June 2021. Collection method: clinical testing. Allele origin: germline. Affected: yes. Not counted in ClinVar's aggregate classification.
Comment: Nonsense variant in the C-terminus predicted to result in protein truncation, as the last 189 amino acids are lost, and other loss-of-function variants have been reported downstream in the Human Gene Mutation Database (HGMD); This variant is associated with the following publications: (PMID: 22128238, 23218701, Ramavat2016[Case Report], 30089822, 29142762, 16735994, 30662834, 21854771, 32742340, 11558822, 20827438, 20057908, 30270463, 25091052, 35085548)

Women's Health and Genetics/Laboratory Corporation of America, LabCorp
Classification: Pathogenic for Primary congenital glaucoma. Last evaluated: 2023-11-27. Review status: criteria provided, single submitter. Criteria: LabCorp Variant Classification Summary - May 2015. Collection method: clinical testing. Allele origin: germline. Not counted in ClinVar's aggregate classification.
Comment: Variant summary: CYP1B1 c.1063C>T (p.Arg355X) results in a premature termination codon, predicted to cause a truncation of the encoded protein, which is a commonly known mechanism for disease. The variant allele was found at a frequency of 1.2e-05 in 246248 control chromosomes. c.1063C>T has been reported in the literature along with second apparently pathogenic variants in multiple individuals affected with Primary Congenital Glaucoma, Neonatal-Onset Congenital Ectropion Uveae (example, Kaushik_2022, Gupta_2022, Tanwar_2010). These data indicate that the variant is likely to be associated with disease. To our knowledge, no experimental evidence demonstrating an impact on protein function has been reported. The following publications have been ascertained in the context of this evaluation (PMID: 36076309, 21572728, 20827438). One submitter has cited clinical-significance assessments for this variant to ClinVar after 2014 and has classified the variant as pathogenic. Based on the evidence outlined above, the variant was classified as pathogenic.

Baylor Genetics
Classification: Pathogenic for Anterior segment dysgenesis 6. Last evaluated: 2023-08-07. Review status: criteria provided, single submitter. Criteria: ACMG Guidelines, 2015. Collection method: clinical testing. Allele origin: unknown. Not counted in ClinVar's aggregate classification.

Labcorp Genetics (formerly Invitae), Labcorp
Classification: Pathogenic for Congenital glaucoma. Last evaluated: 2023-02-16. Review status: criteria provided, single submitter. Criteria: Invitae Variant Classification Sherloc (09022015). Collection method: clinical testing. Allele origin: germline. Not counted in ClinVar's aggregate classification.
Comment: This sequence change creates a premature translational stop signal (p.Arg355*) in the CYP1B1 gene. While this is not anticipated to result in nonsense mediated decay, it is expected to disrupt the last 189 amino acid(s) of the CYP1B1 protein. This variant is present in population databases (rs72549381, gnomAD 0.01%). This premature translational stop signal has been observed in individuals with primary congenital glaucoma (PMID: 11558822, 20057908, 23218701, 25091052). ClinVar contains an entry for this variant (Variation ID: 1412564). For these reasons, this variant has been classified as Pathogenic.

Literature cited by the submitters: PubMed 21572728 (cited by Women's Health and Genetics/Laboratory Corporation of America, LabCorp); PubMed 36076309 (cited by Women's Health and Genetics/Laboratory Corporation of America, LabCorp); PubMed 20827438 (cited by Women's Health and Genetics/Laboratory Corporation of America, LabCorp); PubMed 11558822 (cited by Labcorp Genetics (formerly Invitae), Labcorp); PubMed 20057908 (cited by Labcorp Genetics (formerly Invitae), Labcorp); PubMed 23218701 (cited by Labcorp Genetics (formerly Invitae), Labcorp); PubMed 25091052 (cited by Labcorp Genetics (formerly Invitae), Labcorp).